The following is an entry in ClinVar:

NM_007294.4(BRCA1):c.3065C>T (p.Thr1022Ile)

Gene: BRCA1 (BRCA1 DNA repair associated; minus strand). Cytogenetic location: 17q21.31.
Variant type: single nucleotide variant.
Coding change: c.3065C>T on transcript NM_007294.4 (MANE Select); coding-DNA position 3065, C replaced by T.
Protein change: p.Thr1022Ile; replaces threonine 1022 with isoleucine.
Molecular consequence: missense variant. On other transcripts: intron variant (137).
Genome position (GRCh38, 1-based): chr17:43,092,466, G>A on the plus strand (C>T on the coding strand, the complement: BRCA1 is on the minus strand). VCF-style: chr17-43092466-G-A. GRCh37 (hg19) VCF-style: chr17-41244483-G-A.
Other names: c.2984C>T, p.Thr995Ile (NM_001407661.1, NM_001407662.1, NM_001407659.1 and 1 more transcripts); c.2987C>T, p.Thr996Ile (NM_001407663.1, NM_001407653.1, NM_001407654.1 and 4 more transcripts); c.2942C>T, p.Thr981Ile (NM_001407664.1, NM_001407665.1, NM_001407666.1 and 19 more transcripts); c.2939C>T, p.Thr980Ile (NM_001407670.1, NM_001407685.1, NM_001407686.1 and 11 more transcripts); c.3065C>T, p.Thr1022Ile (NM_001407684.1, NM_001407854.1, NM_001407858.1 and 30 more transcripts); c.2924C>T, p.Thr975Ile (NM_001407725.1, NM_001407726.1, NM_001407727.1 and 29 more transcripts); c.2921C>T, p.Thr974Ile (NM_001407744.1, NM_001407745.1, NM_001407746.1 and 20 more transcripts); c.2852C>T, p.Thr951Ile (NM_001407853.1, NM_001407894.1, NM_001407895.1 and 9 more transcripts); and 41 more; short protein forms T1022I, T975I, T726I, T894I, T910I, T911I, T934I, T980I.
Identifiers: ClinVar variation 185304 (VCV000185304.28), dbSNP rs786202070, ClinGen allele CA002011.
Genomic context (GRCh38, chr17:43,092,466, plus strand): 5'-CTTGAGCTGGCTTCTTTAAAAACATTTTCTCTAATGTTATTACGGCTAATTGTGCTCACT[G>A]TACTTGGAATGTTCTCATTTCCCATTTCTCTTTCAGGTGACATTGAATGTTCCTCAAAGT-3'
Protein context (NP_009225.1, residues 1012-1032): REMGNENIPS[Thr1022Ile]VSTISRNNIR

ClinVar aggregate classification (germline): Conflicting classifications of pathogenicity. Review status: criteria provided, conflicting classifications (1 of 4 stars). 7 submissions from 7 submitters: Uncertain significance (5); Likely benign (1). 1 of the submissions does not count toward it. Last evaluated 2024-08-27.

Conditions:
Hereditary cancer-predisposing syndrome. Also called: Hereditary Cancer Syndrome; Hereditary neoplastic syndrome; Tumor predisposition; Neoplastic Syndromes, Hereditary. Identifiers: Orphanet 140162, MedGen C0027672, MeSH D009386, MONDO:0015356.
Hereditary breast ovarian cancer syndrome. Also called: Hereditary breast and ovarian cancer syndrome; Hereditary breast and ovarian cancer syndrome (HBOC); BRCA1- and BRCA2-Associated Hereditary Breast and Ovarian Cancer; Breast and ovarian cancer; Hereditary breast and ovarian cancer; Hereditary breast and/or ovarian cancer syndrome. Identifiers: Orphanet 145, MedGen C0677776, MeSH D061325, MONDO:0003582. Disease mechanism: loss of function.
Breast-ovarian cancer, familial, susceptibility to, 1 (BROVCA1). Also called: OVARIAN CANCER, SUSCEPTIBILITY TO; BRCA1 Hereditary Breast and Ovarian Cancer. Identifiers: Orphanet 145, MedGen C2676676, MONDO:0011450, OMIM 604370. Disease mechanism: loss of function.

Submissions (7):

Labcorp Genetics (formerly Invitae), Labcorp
Classification: Uncertain significance for Hereditary breast ovarian cancer syndrome. Last evaluated: 2024-08-27. Review status: criteria provided, single submitter. Criteria: Invitae Variant Classification Sherloc (09022015). Collection method: clinical testing. Allele origin: germline.
Comment: This sequence change replaces threonine, which is neutral and polar, with isoleucine, which is neutral and non-polar, at codon 1022 of the BRCA1 protein (p.Thr1022Ile). This variant is not present in population databases (gnomAD no frequency). This variant has not been reported in the literature in individuals affected with BRCA1-related conditions. ClinVar contains an entry for this variant (Variation ID: 185304). Invitae Evidence Modeling of protein sequence and biophysical properties (such as structural, functional, and spatial information, amino acid conservation, physicochemical variation, residue mobility, and thermodynamic stability) indicates that this missense variant is not expected to disrupt BRCA1 protein function with a negative predictive value of 95%. In summary, the available evidence is currently insufficient to determine the role of this variant in disease. Therefore, it has been classified as a Variant of Uncertain Significance.

Ambry Genetics
Classification: Uncertain significance for Hereditary cancer-predisposing syndrome. Last evaluated: 2024-04-10. Review status: criteria provided, single submitter. Criteria: Ambry Variant Classification Scheme 2023. Collection method: clinical testing. Allele origin: germline.
Comment: The p.T1022I variant (also known as c.3065C>T), located in coding exon 9 of the BRCA1 gene, results from a C to T substitution at nucleotide position 3065. The threonine at codon 1022 is replaced by isoleucine, an amino acid with similar properties. This amino acid position is not well conserved in available vertebrate species. In addition, the in silico prediction for this alteration is inconclusive. Since supporting evidence is limited at this time, the clinical significance of this alteration remains unclear.

Color Diagnostics, LLC DBA Color Health
Classification: Uncertain significance for Hereditary cancer-predisposing syndrome. Last evaluated: 2024-02-02. Review status: criteria provided, single submitter. Criteria: ACMG Guidelines, 2015. Collection method: clinical testing. Allele origin: germline.
Comment: This missense variant replaces threonine with isoleucine at codon 1022 of the BRCA1 protein. Computational prediction suggests that this variant may not impact protein structure and function. To our knowledge, functional studies have not been reported for this variant. This variant has been detected in a breast cancer case-control meta-analysis in 1/60466 cases and 0/53461 unaffected individuals (PMID: 33471991; Leiden Open Variation Database DB-ID BRCA1_006364). This variant has not been identified in the general population by the Genome Aggregation Database (gnomAD). The available evidence is insufficient to determine the role of this variant in disease conclusively. Therefore, this variant is classified as a Variant of Uncertain Significance.

All of Us Research Program, National Institutes of Health
Classification: Uncertain significance for Breast-ovarian cancer, familial, susceptibility to, 1. Last evaluated: 2023-04-03. Review status: criteria provided, single submitter. Criteria: ACMG Guidelines, 2015. Collection method: clinical testing. Allele origin: germline. Inheritance: Autosomal dominant inheritance. Observed: 1 variant allele, 1 heterozygote.
Comment: This missense variant replaces threonine with isoleucine at codon 1022 of the BRCA1 protein. Computational prediction suggests that this variant may not impact protein structure and function (internally defined REVEL score threshold <= 0.5, PMID: 27666373). Splice site prediction tools suggest that this variant may not impact RNA splicing. To our knowledge, functional studies have not been performed for this variant. This variant has not been reported in individuals affected with hereditary cancer in the literature. This variant has not been identified in the general population by the Genome Aggregation Database (gnomAD). The available evidence is insufficient to determine the role of this variant in disease conclusively. Therefore, this variant is classified as a Variant of Uncertain Significance.

This study involves interpretation of variants in research participants for the purpose of population health screening. Participant phenotype was not available at the time of variant classification. Additional details can be found in publication PMID: 35346344, PMCID: PMC8962531

University of Washington Department of Laboratory Medicine, University of Washington
Classification: Likely benign for Hereditary cancer-predisposing syndrome. Last evaluated: 2023-03-23. Review status: criteria provided, single submitter. Criteria: Dines et al. (Genet Med. 2020). Collection method: curation. Allele origin: germline.
Comment: Missense variant in a coldspot region where missense variants are very unlikely to be pathogenic (PMID:31911673).

BRCA1 coldspot (exon 11 using historical exon numbering). Reclassification based on statistical prior probability

Quest Diagnostics Nichols Institute San Juan Capistrano
Classification: Uncertain significance. Last evaluated: 2021-01-25. Review status: criteria provided, single submitter. Criteria: Quest Diagnostics criteria. Collection method: clinical testing. Allele origin: unknown.

Counsyl
Classification: Uncertain significance for Breast-ovarian cancer, familial, susceptibility to, 1. Last evaluated: 2016-08-17. Review status: no assertion criteria provided. Collection method: clinical testing. Allele origin: unknown. Not counted in ClinVar's aggregate classification.

Literature cited by the submitters: PubMed 33471991 (cited by Color Diagnostics, LLC DBA Color Health).